The following is an entry in ClinVar:

NM_007294.4(BRCA1):c.5193+2337G>A

Gene: BRCA1 (BRCA1 DNA repair associated; minus strand). Cytogenetic location: 17q21.31.
Variant type: single nucleotide variant.
Coding change: c.5193+2337G>A on transcript NM_007294.4 (MANE Select); 2337 bases into the intron after coding-DNA position 5193, G replaced by A.
Molecular consequence: intron variant.
Genome position (GRCh38, 1-based): chr17:43,060,996, C>T on the plus strand (G>A on the coding strand, the complement: BRCA1 is on the minus strand). VCF-style: chr17-43060996-C-T. GRCh37 (hg19) VCF-style: chr17-41213013-C-T.
Other names: IVS 19+2337G>A; c.1740+2337G>A (NM_001408458.1, NM_001408461.1, NM_001408464.1 and 7 more transcripts); c.4302+2337G>A (NM_001407967.1); c.4812+2337G>A (NM_001407959.1); c.4926+2337G>A (NM_001407931.1, NM_001407932.1, NM_001407928.1 and 4 more transcripts); c.5049+2337G>A (NM_001407747.1, NM_001407745.1, NM_001407737.1 and 21 more transcripts); c.4809+2337G>A (NM_001407962.1, NM_001407960.1); c.1380+2337G>A (NM_001408512.1); and 73 more.
Identifiers: ClinVar variation 209309 (VCV000209309.2), dbSNP rs115522763, ClinGen allele CA276281.

ClinVar aggregate classification (germline): Benign (3 of 4 stars; one submission).

Conditions:
Breast-ovarian cancer, familial, susceptibility to, 1 (BROVCA1). Also called: BRCA1 Hereditary Breast and Ovarian Cancer; OVARIAN CANCER, SUSCEPTIBILITY TO. Identifiers: Orphanet 145, MedGen C2676676, MONDO:0011450, OMIM 604370. Disease mechanism: loss of function.

Allele frequency attached by ClinVar (database versions not stated): gnomAD 0.00950 and 0.01019; TOPMed 0.01109; 1000 Genomes Project 30x 0.01171; 1000 Genomes Project 0.01098.

Submission:

Evidence-based Network for the Interpretation of Germline Mutant Alleles (ENIGMA)
Classification: Benign for Breast-ovarian cancer, familial 1. Last evaluated: 2015-01-12. Review status: reviewed by expert panel. Criteria: ENIGMA BRCA1/2 Classification Criteria (2015). Collection method: curation. Allele origin: germline.
Comment: Class 1 not pathogenic based on frequency >1% in an outbred sampleset. Frequency 0.06504 (African), derived from 1000 genomes (2012-04-30).